The following is an entry in ClinVar:

ClinVar aggregate classification (germline): Uncertain significance. Review status: criteria provided, multiple submitters, no conflicts (2 of 4 stars). 2 submissions from 2 submitters: Uncertain significance (2). Last evaluated 2025-09-02.

Conditions:
Inborn genetic diseases. Identifiers: MedGen C0950123, MeSH D030342.

Allele frequency attached by ClinVar (database versions not stated): ExAC 0.00001; TOPMed 0.00002; gnomAD 0.00003.

Submissions (2):

Labcorp Genetics (formerly Invitae), Labcorp
Classification: Uncertain significance. Last evaluated: 2025-09-02. Review status: criteria provided, single submitter. Criteria: Invitae Variant Classification Sherloc (09022015). Collection method: clinical testing. Allele origin: germline.
Comment: This sequence change replaces arginine, which is basic and polar, with tryptophan, which is neutral and slightly polar, at codon 559 of the DVL1 protein (p.Arg559Trp). The frequency data for this variant in the population databases is considered unreliable, as metrics indicate poor data quality at this position in the gnomAD database. This variant has not been reported in the literature in individuals affected with DVL1-related conditions. ClinVar contains an entry for this variant (Variation ID: 2152589). Invitae Evidence Modeling of protein sequence and biophysical properties (such as structural, functional, and spatial information, amino acid conservation, physicochemical variation, residue mobility, and thermodynamic stability) indicates that this missense variant is not expected to disrupt DVL1 protein function with a negative predictive value of 80%. In summary, the available evidence is currently insufficient to determine the role of this variant in disease. Therefore, it has been classified as a Variant of Uncertain Significance.

Ambry Genetics
Classification: Uncertain significance for Inborn genetic diseases. Last evaluated: 2023-09-14. Review status: criteria provided, single submitter. Criteria: Ambry Variant Classification Scheme 2023. Collection method: clinical testing. Allele origin: germline.

NM_001330311.2(DVL1):c.1750C>T (p.Arg584Trp)

Gene: DVL1 (dishevelled segment polarity protein 1; minus strand). Cytogenetic location: 1p36.33.
Variant type: single nucleotide variant.
Coding change: c.1750C>T on transcript NM_001330311.2 (MANE Select); coding-DNA position 1750, C replaced by T.
Protein change: p.Arg584Trp; replaces arginine 584 with tryptophan.
Molecular consequence: missense variant.
Genome position (GRCh38, 1-based): chr1:1,336,480, G>A on the plus strand (C>T on the coding strand, the complement: DVL1 is on the minus strand). VCF-style: chr1-1336480-G-A. GRCh37 (hg19) VCF-style: chr1-1271860-G-A.
Other names: c.1675C>T, p.Arg559Trp (NM_004421.3); c.1675C>T (NM_004421.2); short protein forms R559W, R584W.
Identifiers: ClinVar variation 2152589 (VCV002152589.6), dbSNP rs778386571, ClinGen allele CA519848.